The following is an entry in ClinVar:

NM_153252.5(BRWD3):c.2598_2601dup (p.Leu868fs)

Gene: BRWD3 (bromodomain and WD repeat domain containing 3; minus strand). Cytogenetic location: Xq21.1.
Variant type: Duplication.
Coding change: c.2598_2601dup on transcript NM_153252.5 (MANE Select); coding-DNA positions 2598 to 2601, 4 bases duplicated (AAAT; older notation c.2598_2601dupAAAT).
Protein change: p.Leu868fs; shifts the reading frame from leucine 868.
Molecular consequence: frameshift variant.
Genome position (GRCh38, 1-based): chrX:80,704,798-80,704,801, ATTT duplicated on the plus strand (AAAT on the coding strand, the reverse complement: BRWD3 is on the minus strand); duplicating any 4 consecutive bases within chrX:80,704,798-80,704,804 gives the same sequence; the c. name uses the placement nearest the transcript's 3' end. VCF-style (leftmost placement, unchanged base first): chrX-80704797-A-AATTT. GRCh37 (hg19) VCF-style: chrX-79960296-A-AATTT.
Other names: short protein forms L868fs.
Identifiers: ClinVar variation 373083 (VCV000373083.2), dbSNP rs1057518202, ClinGen allele CA16043322.

ClinVar aggregate classification (germline): Pathogenic (1 of 4 stars; one submission).

Submission:

GeneDx
Classification: Pathogenic. Last evaluated: 2016-10-27. Review status: criteria provided, single submitter. Criteria: GeneDx Variant Classification (06012015). Collection method: clinical testing. Allele origin: germline. Affected: yes.
Comment: The de novo c.2598_2601dupAAAT pathogenic variant in the BRWD3 gene has not been reported previously as a pathogenic variant, nor as a benign variant, to our knowledge. The c.2598_2601dupAAAT variant causes a frameshift starting with codon Leucine 868, changes this amino acid to a Lysine residue, and creates a premature Stop codon at position 15 of the new reading frame, denoted p.Leu868LysfsX15. This variant is predicted to cause loss of normal protein function either through protein truncation or nonsense-mediated mRNA decay. The c.2598_2601dupAAAT variant was not observed in approximately 6,500 individuals of European and African American ancestry in the NHLBI Exome Sequencing Project, indicating it is not a common benign variant in these populations. We interpret c.2598_2601dupAAAT as a pathogenic variant.